The following is an entry in ClinVar:

ClinVar aggregate classification (germline): Uncertain significance (1 of 4 stars; one submission).

Allele frequency attached by ClinVar (database versions not stated): gnomAD exomes below 0.00001.

Submission:

Labcorp Genetics (formerly Invitae), Labcorp
Classification: Uncertain significance. Last evaluated: 2025-09-02. Review status: criteria provided, single submitter. Criteria: Invitae Variant Classification Sherloc (09022015). Collection method: clinical testing. Allele origin: germline.
Comment: This sequence change replaces alanine, which is neutral and non-polar, with threonine, which is neutral and polar, at codon 241 of the RHO protein (p.Ala241Thr). This variant is not present in population databases (gnomAD no frequency). This variant has not been reported in the literature in individuals affected with RHO-related conditions. ClinVar contains an entry for this variant (Variation ID: 1465347). Invitae Evidence Modeling of protein sequence and biophysical properties (such as structural, functional, and spatial information, amino acid conservation, physicochemical variation, residue mobility, and thermodynamic stability) has been performed for this missense variant. However, the output from this modeling did not meet the statistical confidence thresholds required to predict the impact of this variant on RHO protein function. In summary, the available evidence is currently insufficient to determine the role of this variant in disease. Therefore, it has been classified as a Variant of Uncertain Significance.

NM_000539.3(RHO):c.721G>A (p.Ala241Thr)

Gene: RHO (rhodopsin; plus strand). Cytogenetic location: 3q22.1.
Variant type: single nucleotide variant.
Coding change: c.721G>A on transcript NM_000539.3 (MANE Select); coding-DNA position 721, G replaced by A.
Protein change: p.Ala241Thr; replaces alanine 241 with threonine.
Molecular consequence: missense variant.
Genome position (GRCh38, 1-based): chr3:129,532,557, G>A. VCF-style: chr3-129532557-G-A. GRCh37 (hg19) VCF-style: chr3-129251400-G-A.
Other names: short protein forms A241T.
Identifiers: ClinVar variation 1465347 (VCV001465347.8), dbSNP rs2084788760, ClinGen allele CA354470221.
Genomic context (GRCh38, chr3:129,532,557, plus strand): 5'-GAGCCATGGTCTGGACCCGGGTCCCGTGTCCTGCAGGCCGCTGCCCAGCAGCAGGAGTCA[G>A]CCACCACACAGAAGGCAGAGAAGGAGGTCACCCGCATGGTCATCATCATGGTCATCGCTT-3'
Protein context (NP_000530.1, residues 231-251): KEAAAQQQES[Ala241Thr]TTQKAEKEVT